The following is an entry in ClinVar:

ClinVar aggregate classification (germline): Likely pathogenic (1 of 4 stars; one submission).

Conditions:
Dilated cardiomyopathy 1G (CMD1G). Identifiers: Orphanet 154, MedGen C1858763, MONDO:0011400, OMIM 604145.
Autosomal recessive limb-girdle muscular dystrophy type 2J (LGMDR10). Also called: Limb-girdle muscular dystrophy, type 2J; MUSCULAR DYSTROPHY, LIMB-GIRDLE, AUTOSOMAL RECESSIVE 10. Identifiers: Orphanet 140922, MedGen C1837342, MONDO:0012127, OMIM 608807.

Submission:

Labcorp Genetics (formerly Invitae), Labcorp
Classification: Likely pathogenic for Dilated cardiomyopathy 1G; Autosomal recessive limb-girdle muscular dystrophy type 2J. Last evaluated: 2024-05-22. Review status: criteria provided, single submitter. Criteria: Invitae Variant Classification Sherloc (09022015). Collection method: clinical testing. Allele origin: germline.
Comment: This sequence change creates a premature translational stop signal (p.Trp25027*) in the TTN gene. While this is not anticipated to result in nonsense mediated decay, it is expected to create a truncated TTN protein. This variant is not present in population databases (gnomAD no frequency). This premature translational stop signal has been observed in individual(s) with dilated cardiomyopathy (Invitae). This variant is located in the A band of TTN (PMID: 25589632). Truncating variants in this region are significantly overrepresented in patients affected with dilated cardiomyopathy (PMID: 25589632). Truncating variants in this region have also been reported in individuals affected with autosomal recessive centronuclear myopathy (PMID: 23975875). In summary, the currently available evidence indicates that the variant is pathogenic, but additional data are needed to prove that conclusively. Therefore, this variant has been classified as Likely Pathogenic.

Literature cited by the submitters: PubMed 25589632; PubMed 23975875.

NM_001267550.2(TTN):c.75080G>A (p.Trp25027Ter)

Genes: TTN-AS1 (TTN antisense RNA 1; plus strand), TTN (titin; minus strand). Cytogenetic location: 2q31.2.
Variant type: single nucleotide variant.
Coding change: c.75080G>A on transcript NM_001267550.2 (MANE Select); coding-DNA position 75080, G replaced by A.
Protein change: p.Trp25027Ter; replaces tryptophan 25027 with a stop codon.
Molecular consequence: nonsense.
Genome position (GRCh38, 1-based): chr2:178,571,052, C>T on the plus strand (G>A on the coding strand, the complement: TTN is on the minus strand). VCF-style: chr2-178571052-C-T. GRCh37 (hg19) VCF-style: chr2-179435779-C-T.
Other names: c.70157G>A, p.Trp23386Ter (NM_001256850.1); c.47885G>A, p.Trp15962Ter (NM_003319.4); c.67376G>A, p.Trp22459Ter (NM_133378.4); c.48260G>A, p.Trp16087Ter (NM_133432.3); c.48461G>A, p.Trp16154Ter (NM_133437.4); short protein forms W15962*, W23386*, W22459*, W25027*, W16154*, W16087*.
Identifiers: ClinVar variation 2921946 (VCV002921946.3), dbSNP rs2468476344, ClinGen allele CA349629146.